The following is an entry in ClinVar:

NM_020207.7(ERCC6L2):c.1219G>A (p.Glu407Lys)

Gene: ERCC6L2 (ERCC excision repair 6 like 2; plus strand). Cytogenetic location: 9q22.32.
Variant type: single nucleotide variant.
Coding change: c.1219G>A on transcript NM_020207.7 (MANE Select); coding-DNA position 1219, G replaced by A.
Protein change: p.Glu407Lys; replaces glutamic acid 407 with lysine.
Molecular consequence: missense variant. On other transcripts: non-coding transcript variant (1).
Genome position (GRCh38, 1-based): chr9:95,921,235, G>A. VCF-style: chr9-95921235-G-A. GRCh37 (hg19) VCF-style: chr9-98683517-G-A.
Other names: c.1219G>A, p.Glu407Lys (NM_001010895.4, NM_001375291.1, NM_001375292.1 and 2 more transcripts); short protein forms E407K.
Identifiers: ClinVar variation 4019379 (VCV004019379.1).
Genomic context (GRCh38, chr9:95,921,235, plus strand): 5'-ATGGTGTATTGTTCTTTGACAGATTTCCAGAAAGCTGTCTATCAAACAGTGTTAGAAACA[G>A]AGGACGTGACTTTGATACTTCAATCTTCTGAGCCTTGTACCTGTAGGAGTGGCCAAAAAA-3'
Protein context (NP_064592.3, residues 397-417): KAVYQTVLET[Glu407Lys]DVTLILQSSE

ClinVar aggregate classification (germline): Uncertain significance (1 of 4 stars; one submission).

Conditions:
Inborn genetic diseases. Identifiers: MedGen C0950123, MeSH D030342.

gnomAD v4.1: 1 of 1,613,530 alleles (0.000062%); highest among the groups gnomAD compares: Non-Finnish European, 0.000085%; no homozygotes.

Submission:

Ambry Genetics
Classification: Uncertain significance for Inborn genetic diseases. Last evaluated: 2025-05-24. Review status: criteria provided, single submitter. Criteria: Ambry Variant Classification Scheme 2023. Collection method: clinical testing. Allele origin: germline.
Comment: The p.E407K variant (also known as c.1219G>A), located in coding exon 7 of the ERCC6L2 gene, results from a G to A substitution at nucleotide position 1219. The glutamic acid at codon 407 is replaced by lysine, an amino acid with similar properties. This amino acid position is conserved. In addition, the in silico prediction for this alteration is inconclusive. Based on the available evidence, the clinical significance of this variant remains unclear.